The following is an entry in ClinVar:

NM_004456.5(EZH2):c.972T>G (p.Pro324=)

Gene: EZH2 (enhancer of zeste 2 polycomb repressive complex 2 subunit; minus strand). Cytogenetic location: 7q36.1.
Variant type: single nucleotide variant.
Coding change: c.972T>G on transcript NM_004456.5 (MANE Select); coding-DNA position 972, T replaced by G.
Protein change: p.Pro324=; no amino-acid change (proline 324 retained).
Molecular consequence: synonymous variant.
Genome position (GRCh38, 1-based): chr7:148,819,623, A>C on the plus strand (T>G on the coding strand, the complement: EZH2 is on the minus strand). VCF-style: chr7-148819623-A-C. GRCh37 (hg19) VCF-style: chr7-148516715-A-C.
Other names: c.957T>G, p.Pro319= (NM_001203247.2); c.930T>G, p.Pro310= (NM_001203248.2, NM_001203249.2); c.840T>G, p.Pro280= (NM_152998.3).
Identifiers: ClinVar variation 1164344 (VCV001164344.15), dbSNP rs574201179, ClinGen allele CA4547993.

ClinVar aggregate classification (germline): Benign/Likely benign. Review status: criteria provided, multiple submitters, no conflicts (2 of 4 stars). 2 submissions from 2 submitters: Benign (1); Likely benign (1). Last evaluated 2025-12-27.

Conditions:
Weaver syndrome (WVS). Also called: Weaver Smith syndrome; Overgrowth syndrome with accelerated skeletal maturation, unusual facies, and camptodactyly. Identifiers: Orphanet 3447, MedGen C0265210, MONDO:0010193, OMIM 277590.

Allele frequency attached by ClinVar (database versions not stated): TOPMed 0.00005; gnomAD 0.00006 and 0.00012; 1000 Genomes Project 0.00080; 1000 Genomes Project 30x 0.00094.
gnomAD v4.1: 165 of 1,614,106 alleles (0.01%); highest among the groups gnomAD compares: South Asian, 0.16%; 2 homozygotes.

Submissions (2):

Labcorp Genetics (formerly Invitae), Labcorp
Classification: Benign for Weaver syndrome. Last evaluated: 2025-12-27. Review status: criteria provided, single submitter. Criteria: Invitae Variant Classification Sherloc (09022015). Collection method: clinical testing. Allele origin: germline.

CeGaT Center for Human Genetics Tuebingen
Classification: Likely benign. Last evaluated: 2025-12-01. Review status: criteria provided, single submitter. Criteria: CeGaT Center For Human Genetics Tuebingen Variant Classification Criteria Version 2. Collection method: clinical testing. Allele origin: germline. Affected: yes. Observed: 1 variant allele.
Comment: EZH2: BP4, BP7